The following is an entry in ClinVar:

ClinVar aggregate classification (germline): Uncertain significance (1 of 4 stars; one submission).

gnomAD v4.1: 17 of 1,613,122 alleles (0.0011%); highest among the groups gnomAD compares: Non-Finnish European, 0.0014%; no homozygotes.

Submission:

Labcorp Genetics (formerly Invitae), Labcorp
Classification: Uncertain significance. Last evaluated: 2026-01-11. Review status: criteria provided, single submitter. Criteria: Invitae Variant Classification Sherloc (09022015). Collection method: clinical testing. Allele origin: germline.
Comment: This sequence change replaces valine, which is neutral and non-polar, with methionine, which is neutral and non-polar, at codon 704 of the AP3D1 protein (p.Val704Met). The frequency data for this variant in the population databases is considered unreliable, as metrics indicate poor data quality at this position in the gnomAD database. This variant has not been reported in the literature in individuals affected with AP3D1-related conditions. An algorithm developed to predict the effect of missense changes on protein structure and function (PolyPhen-2) suggests that this variant is likely to be disruptive. In summary, the available evidence is currently insufficient to determine the role of this variant in disease. Therefore, it has been classified as a Variant of Uncertain Significance.

NM_001261826.3(AP3D1):c.2110G>A (p.Val704Met)

Gene: AP3D1 (adaptor related protein complex 3 subunit delta 1; minus strand). Cytogenetic location: 19p13.3.
Variant type: single nucleotide variant.
Coding change: c.2110G>A on transcript NM_001261826.3 (MANE Select); coding-DNA position 2110, G replaced by A.
Protein change: p.Val704Met; replaces valine 704 with methionine.
Molecular consequence: missense variant.
Genome position (GRCh38, 1-based): chr19:2,115,577, C>T on the plus strand (G>A on the coding strand, the complement: AP3D1 is on the minus strand). VCF-style: chr19-2115577-C-T. GRCh37 (hg19) VCF-style: chr19-2115576-C-T.
Other names: c.2110G>A, p.Val704Met (NM_001374799.1, NM_003938.8); short protein forms V704M.
Identifiers: ClinVar variation 4808010 (VCV004808010.1).